The following is an entry in ClinVar:

ClinVar aggregate classification (germline): Uncertain significance (1 of 4 stars; one submission).

Conditions:
Hereditary cancer-predisposing syndrome. Also called: Neoplastic Syndromes, Hereditary; Tumor predisposition; Hereditary neoplastic syndrome; Hereditary Cancer Syndrome. Identifiers: Orphanet 140162, MedGen C0027672, MeSH D009386, MONDO:0015356.

Submission:

Ambry Genetics
Classification: Uncertain significance for Hereditary cancer-predisposing syndrome. Last evaluated: 2024-02-12. Review status: criteria provided, single submitter. Criteria: Ambry Variant Classification Scheme 2023. Collection method: clinical testing. Allele origin: germline.
Comment: The p.L57V variant (also known as c.169T>G), located in coding exon 2 of the CDC73 gene, results from a T to G substitution at nucleotide position 169. The leucine at codon 57 is replaced by valine, an amino acid with highly similar properties. This amino acid position is conserved. In addition, this alteration is predicted to be deleterious by in silico analysis. Based on the available evidence, the clinical significance of this alteration remains unclear.

NM_024529.5(CDC73):c.169T>G (p.Leu57Val)

Gene: CDC73 (cell division cycle 73; plus strand). Cytogenetic location: 1q31.2.
Variant type: single nucleotide variant.
Coding change: c.169T>G on transcript NM_024529.5 (MANE Select); coding-DNA position 169, T replaced by G.
Protein change: p.Leu57Val; replaces leucine 57 with valine.
Molecular consequence: missense variant.
Genome position (GRCh38, 1-based): chr1:193,125,149, T>G. VCF-style: chr1-193125149-T-G. GRCh37 (hg19) VCF-style: chr1-193094279-T-G.
Other names: short protein forms L57V.
Identifiers: ClinVar variation 3227866 (VCV003227866.1), dbSNP rs755745936, ClinGen allele CA343973111.